The following is an entry in ClinVar:

NM_001199107.2(TBC1D24):c.442G>A (p.Glu148Lys)

Gene: TBC1D24 (TBC1 domain family member 24; plus strand). Cytogenetic location: 16p13.3.
Variant type: single nucleotide variant.
Coding change: c.442G>A on transcript NM_001199107.2 (MANE Select); coding-DNA position 442, G replaced by A.
Protein change: p.Glu148Lys; replaces glutamic acid 148 with lysine.
Molecular consequence: missense variant.
Genome position (GRCh38, 1-based): chr16:2,496,590, G>A. VCF-style: chr16-2496590-G-A. GRCh37 (hg19) VCF-style: chr16-2546591-G-A.
Other names: c.442G>A, p.Glu148Lys (NM_020705.3); short protein forms E148K.
Identifiers: ClinVar variation 807960 (VCV000807960.51), dbSNP rs763626059, ClinGen allele CA7844002.

ClinVar aggregate classification (germline): Conflicting classifications of pathogenicity. Review status: criteria provided, conflicting classifications (1 of 4 stars). 5 submissions from 5 submitters: Likely pathogenic (1); Uncertain significance (2). 2 of the submissions do not count toward it. Last evaluated 2022-05-17.

Conditions:
TBC1D24-related disorder. Also called: TBC1D24-related condition; TBC1D24-related disorders. Identifiers: MedGen CN381194.
Developmental and epileptic encephalopathy, 1 (DEE1). Also called: INFANTILE SPASM SYNDROME, X-LINKED 1; X-linked infantile spasms; West's syndrome; Tonic spasms with clustering, arrest of psychomotor development and hypsarrhythmia on EEG; X-Linked Infantile Spasm Syndrome; OHTAHARA SYNDROME, X-LINKED. Identifiers: MedGen C3463992, MONDO:0010632, OMIM 308350. Disease mechanism: loss of function.
Autosomal dominant nonsyndromic hearing loss 65. Also called: TBC1D24-Related Autosomal Dominant Nonsyndromic Hearing Loss (DFNA); Deafness, autosomal dominant 65. Identifiers: Orphanet 90635, MedGen C3892048, MONDO:0014470, OMIM 616044.
Developmental and epileptic encephalopathy, 16 (DEE16). Also called: TBC1D24-Related Developmental and Epileptic Encephalopathy (DEE); Early infantile epileptic encephalopathy 16. Identifiers: Orphanet 293181, Orphanet 352596, MedGen C3809173, MONDO:0014133, OMIM 615338.

gnomAD v4.1: 6 of 1,609,750 alleles (0.00037%); highest among the groups gnomAD compares: Admixed American, 0.0017%; no homozygotes.

Submissions (5):

GeneDx
Classification: Uncertain significance. Last evaluated: 2022-05-17. Review status: criteria provided, single submitter. Criteria: GeneDx Variant Classification Process June 2021. Collection method: clinical testing. Allele origin: germline. Affected: yes.
Comment: Observed with a second variant on the opposite allele (in trans) in a patient with epilepsy and hearing loss in published literature (Burgess et al., 2019; Zhang et al., 2019); Not observed at significant frequency in large population cohorts (gnomAD); In silico analysis supports that this missense variant has a deleterious effect on protein structure/function; This variant is associated with the following publications: (PMID: 30680869, 31618474, 31112829)

Labcorp Genetics (formerly Invitae), Labcorp
Classification: Likely pathogenic for Developmental and epileptic encephalopathy, 1; Autosomal dominant nonsyndromic hearing loss 65. Last evaluated: 2021-08-03. Review status: criteria provided, single submitter. Criteria: Invitae Variant Classification Sherloc (09022015). Collection method: clinical testing. Allele origin: germline.
Comment: This sequence change replaces glutamic acid with lysine at codon 148 of the TBC1D24 protein (p.Glu148Lys). The glutamic acid residue is highly conserved and there is a small physicochemical difference between glutamic acid and lysine. This variant is present in population databases (rs763626059, ExAC 0.002%). In summary, the currently available evidence indicates that the variant is pathogenic, but additional data are needed to prove that conclusively. Therefore, this variant has been classified as Likely Pathogenic. Algorithms developed to predict the effect of missense changes on protein structure and function are either unavailable or do not agree on the potential impact of this missense change (SIFT: "Deleterious"; PolyPhen-2: "Probably Damaging"; Align-GVGD: "Class C15"). This variant has been observed in individual(s) with TBC1D24-related conditions (PMID: 30680869, 31112829, Invitae). In at least one individual the data is consistent with the variant being in trans (on the opposite chromosome) from a pathogenic variant. ClinVar contains an entry for this variant (Variation ID: 807960).

CeGaT Center for Human Genetics Tuebingen
Classification: Uncertain significance. Last evaluated: 2018-11-01. Review status: criteria provided, single submitter. Criteria: CeGaT Center For Human Genetics Tuebingen Variant Classification Criteria Version 2. Collection method: clinical testing. Allele origin: germline. Affected: yes. Observed: 1 variant allele.

PreventionGenetics, part of Exact Sciences
Classification: Uncertain significance for TBC1D24-related condition. Last evaluated: 2024-09-10. Review status: no assertion criteria provided. Collection method: clinical testing. Allele origin: germline. Not counted in ClinVar's aggregate classification.
Comment: The TBC1D24 c.442G>A variant is predicted to result in the amino acid substitution p.Glu148Lys. This variant was reported in the homozygous and compound heterozygous state in two patients with early-onset epileptic encephalopathy (Nakashima. 2019. PubMed ID: 30680869; Zhang. 2019. PubMed ID: 31112829; Table S1 & S2, Burgess. 2019. PubMed ID: 31618474). This variant is reported in 0.0029% of alleles in individuals of Latino descent in gnomAD. Although we suspect that this variant may be pathogenic, at this time, the clinical significance of this variant is uncertain due to the absence of conclusive functional and genetic evidence.

OMIM
Classification: Pathogenic for DEVELOPMENTAL AND EPILEPTIC ENCEPHALOPATHY 16. Last evaluated: 2024-02-13. Review status: no assertion criteria provided. Collection method: literature only. Allele origin: germline. Not counted in ClinVar's aggregate classification.

Literature cited by the submitters: PubMed 30680869 (cited by Labcorp Genetics (formerly Invitae), Labcorp and OMIM); PubMed 31112829 (cited by Labcorp Genetics (formerly Invitae), Labcorp).